The following is an entry in ClinVar:

NM_001365088.1(SLC12A6):c.839C>G (p.Ala280Gly)

Gene: SLC12A6 (solute carrier family 12 member 6; minus strand). Cytogenetic location: 15q14.
Variant type: single nucleotide variant.
Coding change: c.839C>G on transcript NM_001365088.1 (MANE Select); coding-DNA position 839, C replaced by G.
Protein change: p.Ala280Gly; replaces alanine 280 with glycine.
Molecular consequence: missense variant.
Genome position (GRCh38, 1-based): chr15:34,255,299, G>C on the plus strand (C>G on the coding strand, the complement: SLC12A6 is on the minus strand). VCF-style: chr15-34255299-G-C. GRCh37 (hg19) VCF-style: chr15-34547500-G-C.
Other names: c.662C>G, p.Ala221Gly (NM_001042494.2, NM_001042495.2); c.812C>G, p.Ala271Gly (NM_001042496.2); c.794C>G, p.Ala265Gly (NM_001042497.2); c.686C>G, p.Ala229Gly (NM_005135.2); c.839C>G, p.Ala280Gly (NM_133647.2); short protein forms A280G, A265G, A221G, A229G, A271G.
Identifiers: ClinVar variation 2180567 (VCV002180567.4), dbSNP rs2509821193, ClinGen allele CA391610236.
Genomic context (GRCh38, chr15:34,255,299, plus strand): 5'-ACCACAATGAAGTCATTACTTACCAGAAAGATTTCAATGGCACCAAGGATGTACATGGCT[G>C]CTGCAAATGTGGTACCAAGATAAAAGCAGAGGCCAACAGCCCCACCAAACTCTGGGCCCA-3'
Protein context (NP_001352017.1, residues 270-290): LCFYLGTTFA[Ala280Gly]AMYILGAIEI

ClinVar aggregate classification (germline): Uncertain significance (1 of 4 stars; one submission).

gnomAD v4.1: 1 of 1,610,126 alleles (0.000062%); no homozygotes.

Submission:

Labcorp Genetics (formerly Invitae), Labcorp
Classification: Uncertain significance. Last evaluated: 2024-05-14. Review status: criteria provided, single submitter. Criteria: Invitae Variant Classification Sherloc (09022015). Collection method: clinical testing. Allele origin: germline.
Comment: This sequence change replaces alanine, which is neutral and non-polar, with glycine, which is neutral and non-polar, at codon 280 of the SLC12A6 protein (p.Ala280Gly). This variant is not present in population databases (gnomAD no frequency). This variant has not been reported in the literature in individuals affected with SLC12A6-related conditions. ClinVar contains an entry for this variant (Variation ID: 2180567). Advanced modeling of protein sequence and biophysical properties (such as structural, functional, and spatial information, amino acid conservation, physicochemical variation, residue mobility, and thermodynamic stability) performed at Invitae indicates that this missense variant is not expected to disrupt SLC12A6 protein function with a negative predictive value of 95%. In summary, the available evidence is currently insufficient to determine the role of this variant in disease. Therefore, it has been classified as a Variant of Uncertain Significance.